The following is an entry in ClinVar:

NM_203447.4(DOCK8):c.914G>T (p.Cys305Phe)

Gene: DOCK8 (dedicator of cytokinesis 8; plus strand). Cytogenetic location: 9p24.3.
Variant type: single nucleotide variant.
Coding change: c.914G>T on transcript NM_203447.4 (MANE Select); coding-DNA position 914, G replaced by T.
Protein change: p.Cys305Phe; replaces cysteine 305 with phenylalanine.
Molecular consequence: missense variant.
Genome position (GRCh38, 1-based): chr9:328,041, G>T. VCF-style: chr9-328041-G-T. GRCh37 (hg19) VCF-style: chr9-328041-G-T.
Other names: c.710G>T, p.Cys237Phe (NM_001190458.2, NM_001193536.2); short protein forms C305F, C237F.
Identifiers: ClinVar variation 1463251 (VCV001463251.6), dbSNP rs778114411, ClinGen allele CA4957531.

ClinVar aggregate classification (germline): Uncertain significance (1 of 4 stars; one submission).

Conditions:
Combined immunodeficiency due to DOCK8 deficiency (HIES2). Also called: HIES autosomal recessive; Hyper-IgE recurrent infection syndrome, autosomal recessive; HYPER-IgE SYNDROME 2, AUTOSOMAL RECESSIVE, WITH RECURRENT INFECTIONS; HYPER-IgE RECURRENT INFECTION SYNDROME 2, AUTOSOMAL RECESSIVE; DOCK8 Deficiency. Identifiers: Orphanet 217390, MedGen C4722305, MONDO:0009478, OMIM 243700.

Allele frequency attached by ClinVar (database versions not stated): gnomAD exomes 0.00001; ExAC 0.00002.
gnomAD v4.1: 3 of 1,614,138 alleles (0.00019%); highest among the groups gnomAD compares: Admixed American, 0.005%; no homozygotes.

Submission:

Labcorp Genetics (formerly Invitae), Labcorp
Classification: Uncertain significance for Combined immunodeficiency due to DOCK8 deficiency. Last evaluated: 2022-08-19. Review status: criteria provided, single submitter. Criteria: Invitae Variant Classification Sherloc (09022015). Collection method: clinical testing. Allele origin: germline.
Comment: This sequence change replaces cysteine, which is neutral and slightly polar, with phenylalanine, which is neutral and non-polar, at codon 305 of the DOCK8 protein (p.Cys305Phe). This variant is present in population databases (rs778114411, gnomAD 0.003%). This variant has not been reported in the literature in individuals affected with DOCK8-related conditions. ClinVar contains an entry for this variant (Variation ID: 1463251). Algorithms developed to predict the effect of missense changes on protein structure and function (SIFT, PolyPhen-2, Align-GVGD) all suggest that this variant is likely to be tolerated. In summary, the available evidence is currently insufficient to determine the role of this variant in disease. Therefore, it has been classified as a Variant of Uncertain Significance.